The following is an entry in ClinVar:

ClinVar aggregate classification (germline): Conflicting classifications of pathogenicity. Review status: criteria provided, conflicting classifications (1 of 4 stars). 6 submissions from 6 submitters: Uncertain significance (4); Benign (1). 1 of the submissions does not count toward it. Last evaluated 2025-11-12.

Conditions:
Menkes kinky-hair syndrome (MNK). Also called: Copper transport disease; Classic Menkes Disease; Menkes Disease. Identifiers: Orphanet 565, MedGen C0022716, MONDO:0010651, OMIM 309400.
X-linked distal spinal muscular atrophy type 3. Also called: ATP7A-Related Distal Motor Neuropathy; SPINAL MUSCULAR ATROPHY, DISTAL, X-LINKED RECESSIVE; NEURONOPATHY, DISTAL HEREDITARY MOTOR, X-LINKED; NEUROPATHY, DISTAL HEREDITARY MOTOR, X-LINKED. Identifiers: Orphanet 139557, MedGen C1845359, MONDO:0010338, OMIM 300489.
Cutis laxa, X-linked (OHS). Also called: EDS IX; Occipital horn syndrome. Identifiers: Orphanet 198, MedGen C0268353, MONDO:0010572, OMIM 304150.

Allele frequency attached by ClinVar (database versions not stated): ExAC 0.00003; gnomAD exomes 0.00001; ESP Exome Variant Server 0.00009; TOPMed 0.00001.
gnomAD v4.1: 9 of 1,211,489 alleles (0.00074%); highest among the groups gnomAD compares: African/African-American, 0.0035%; no homozygotes.

Submissions (6):

Labcorp Genetics (formerly Invitae), Labcorp
Classification: Benign for X-linked distal spinal muscular atrophy type 3; Cutis laxa, X-linked; Menkes kinky-hair syndrome. Last evaluated: 2025-11-12. Review status: criteria provided, single submitter. Criteria: Invitae Variant Classification Sherloc (09022015). Collection method: clinical testing. Allele origin: germline.

Women's Health and Genetics/Laboratory Corporation of America, LabCorp
Classification: Uncertain significance. Last evaluated: 2025-10-13. Review status: criteria provided, single submitter. Criteria: LabCorp Variant Classification Summary - May 2015. Collection method: clinical testing. Allele origin: germline.
Comment: Variant summary: ATP7A c.4268G>A (p.Arg1423Gln) results in a conservative amino acid change in the encoded protein sequence. Algorithms developed to predict the effect of missense changes on protein structure and function all suggest that this variant is likely to be tolerated. The variant allele was found at a frequency of 1.1e-05 in 183301 control chromosomes. The available data on variant occurrences in the general population are insufficient to allow any conclusion about variant significance. To our knowledge, no occurrence of c.4268G>A in individuals affected with ATP7A-related conditions and no experimental evidence demonstrating its impact on protein function have been reported. ClinVar contains an entry for this variant (Variation ID: 946297). Based on the evidence outlined above, the variant was classified as uncertain significance.

Mayo Clinic Laboratories, Mayo Clinic
Classification: Uncertain significance. Last evaluated: 2025-03-06. Review status: criteria provided, single submitter. Criteria: ACMG Guidelines, 2015. Collection method: clinical testing. Allele origin: germline. Observed: 1 variant allele.
Comment: BP4_moderate, PM2_supporting

Dasa
Classification: Uncertain significance. Last evaluated: 2024-11-01. Review status: criteria provided, single submitter. Criteria: DASA Assertion Criteria. Collection method: clinical testing. Allele origin: germline.
Comment: NM_000052.7(ATP7A):c.4268G>A (p.Arg1423Gln) is a missense variant that results in the substitution of arginine with glutamine. This variant is rare in population databases. Computational prediction algorithms are consistent with a benign effect. The currently available literature and clinical evidence are not sufficient to establish a definitive association between this variant and the reported condition. Therefore, this variant is classified as a variant of uncertain significance.

GeneDx
Classification: Uncertain significance. Last evaluated: 2021-02-24. Review status: criteria provided, single submitter. Criteria: GeneDx Variant Classification Process June 2021. Collection method: clinical testing. Allele origin: germline. Affected: yes.
Comment: Has not been previously published as pathogenic or benign to our knowledge; Not observed at a significant frequency in large population cohorts (Lek et al., 2016); In silico analysis supports that this missense variant does not alter protein structure/function; Reported in ClinVar but additional evidence is not available (ClinVar Variant ID#946297; Landrum et al., 2016)

Natera, Inc.
Classification: Uncertain significance for Menkes kinky hair syndrome. Last evaluated: 2021-03-10. Review status: no assertion criteria provided. Collection method: clinical testing. Allele origin: germline. Not counted in ClinVar's aggregate classification.

NM_000052.7(ATP7A):c.4268G>A (p.Arg1423Gln)

Gene: ATP7A (ATPase copper transporting alpha; plus strand). Cytogenetic location: Xq21.1.
Variant type: single nucleotide variant.
Coding change: c.4268G>A on transcript NM_000052.7 (MANE Select); coding-DNA position 4268, G replaced by A.
Protein change: p.Arg1423Gln; replaces arginine 1423 with glutamine.
Molecular consequence: missense variant. On other transcripts: non-coding transcript variant (1).
Genome position (GRCh38, 1-based): chrX:78,046,335, G>A. VCF-style: chrX-78046335-G-A. GRCh37 (hg19) VCF-style: chrX-77301832-G-A.
Other names: p.Arg1423Gln; c.4034G>A, p.Arg1345Gln (NM_001282224.2); short protein forms R1423Q, R1345Q.
Identifiers: ClinVar variation 946297 (VCV000946297.15), dbSNP rs368091927, ClinGen allele CA10459537.
Genomic context (GRCh38, chrX:78,046,335, plus strand): 5'-TACTTTTGCATATGTCCAGTTACAGGAAACCAACTTACGAGAGTTATGAACTGCCTGCCC[G>A]GAGCCAGATAGGACAGAAGAGTCCTTCAGAAATCAGCGTTCATGTTGGAATAGATGATAC-3'
Protein context (NP_000043.4, residues 1413-1433): PTYESYELPA[Arg1423Gln]SQIGQKSPSE